The following is an entry in ClinVar:

NM_001385641.1(SAMD11):c.1052C>T (p.Pro351Leu)

Gene: SAMD11 (sterile alpha motif domain containing 11; plus strand). Cytogenetic location: 1p36.33.
Variant type: single nucleotide variant.
Coding change: c.1052C>T on transcript NM_001385641.1 (MANE Select); coding-DNA position 1052, C replaced by T.
Protein change: p.Pro351Leu; replaces proline 351 with leucine.
Molecular consequence: missense variant.
Genome position (GRCh38, 1-based): chr1:939,124, C>T. VCF-style: chr1-939124-C-T. GRCh37 (hg19) VCF-style: chr1-874504-C-T.
Other names: c.1052C>T, p.Pro351Leu (NM_001385640.1); c.515C>T, p.Pro172Leu (NM_152486.4); short protein forms P172L, P351L.
Identifiers: ClinVar variation 946008 (VCV000946008.8), dbSNP rs148469698, ClinGen allele CA502657.

ClinVar aggregate classification (germline): Uncertain significance. Review status: criteria provided, multiple submitters, no conflicts (2 of 4 stars). 2 submissions from 2 submitters: Uncertain significance (2). Last evaluated 2024-12-10.

Allele frequency attached by ClinVar (database versions not stated): ExAC 0.00015; ESP Exome Variant Server 0.00023; 1000 Genomes Project 30x 0.00031; gnomAD 0.00036 and 0.00039; TOPMed 0.00043.

Submissions (2):

Labcorp Genetics (formerly Invitae), Labcorp
Classification: Uncertain significance. Last evaluated: 2024-12-10. Review status: criteria provided, single submitter. Criteria: Invitae Variant Classification Sherloc (09022015). Collection method: clinical testing. Allele origin: germline.
Comment: This sequence change replaces proline, which is neutral and non-polar, with leucine, which is neutral and non-polar, at codon 172 of the SAMD11 protein (p.Pro172Leu). This variant is present in population databases (rs148469698, gnomAD 0.1%). This variant has not been reported in the literature in individuals affected with SAMD11-related conditions. ClinVar contains an entry for this variant (Variation ID: 946008). An algorithm developed to predict the effect of missense changes on protein structure and function (PolyPhen-2) suggests that this variant is likely to be disruptive. In summary, the available evidence is currently insufficient to determine the role of this variant in disease. Therefore, it has been classified as a Variant of Uncertain Significance.

Ambry Genetics
Classification: Uncertain significance. Last evaluated: 2024-01-16. Review status: criteria provided, single submitter. Criteria: Ambry Variant Classification Scheme 2023. Collection method: clinical testing. Allele origin: germline.